The following is an entry in ClinVar:

NM_198253.3(TERT):c.1126C>A (p.Pro376Thr)

Gene: TERT (telomerase reverse transcriptase; minus strand). Cytogenetic location: 5p15.33.
Variant type: single nucleotide variant.
Coding change: c.1126C>A on transcript NM_198253.3 (MANE Select); coding-DNA position 1126, C replaced by A.
Protein change: p.Pro376Thr; replaces proline 376 with threonine.
Molecular consequence: missense variant. On other transcripts: non-coding transcript variant (2).
Genome position (GRCh38, 1-based): chr5:1,293,760, G>T on the plus strand (C>A on the coding strand, the complement: TERT is on the minus strand). VCF-style: chr5-1293760-G-T. GRCh37 (hg19) VCF-style: chr5-1293875-G-T.
Other names: c.1126C>A, p.Pro376Thr (NM_001193376.3); short protein forms P376T.
Identifiers: ClinVar variation 4790189 (VCV004790189.1).
Genomic context (GRCh38, chr5:1,293,760, plus strand): 5'-GCTCCAGAAACAGGGGCCGCATTTGCCAGTAGCGCTGGGGCAGGCGGGGCAACCTGCGGG[G>T]AGTCCCTGGCATCCAGGGCCTGGAACCCAGAAAGATGGTCTCCACGAGCCTCCGAGCGCC-3'
Protein context (NP_937983.2, residues 366-386): LGSRPWMPGT[Pro376Thr]RRLPRLPQRY

ClinVar aggregate classification (germline): Uncertain significance (1 of 4 stars; one submission).

Conditions:
Idiopathic Pulmonary Fibrosis. Also called: Idiopathic fibrosing alveolitis, chronic form; idiopathic fibrosing alveolitis. Identifiers: Orphanet 2032, MedGen C1800706, MeSH D054990, MONDO:0800504.
Dyskeratosis congenita, autosomal dominant 2. Identifiers: MedGen C3151443, MONDO:0013521, OMIM 613989.

Submission:

Labcorp Genetics (formerly Invitae), Labcorp
Classification: Uncertain significance for Dyskeratosis congenita, autosomal dominant 2; Idiopathic Pulmonary Fibrosis. Last evaluated: 2025-03-22. Review status: criteria provided, single submitter. Criteria: Invitae Variant Classification Sherloc (09022015). Collection method: clinical testing. Allele origin: germline.
Comment: This sequence change replaces proline, which is neutral and non-polar, with threonine, which is neutral and polar, at codon 376 of the TERT protein (p.Pro376Thr). This variant is not present in population databases (gnomAD no frequency). This variant has not been reported in the literature in individuals affected with TERT-related conditions. Invitae Evidence Modeling of protein sequence and biophysical properties (such as structural, functional, and spatial information, amino acid conservation, physicochemical variation, residue mobility, and thermodynamic stability) has been performed for this missense variant. However, the output from this modeling did not meet the statistical confidence thresholds required to predict the impact of this variant on TERT protein function. In summary, the available evidence is currently insufficient to determine the role of this variant in disease. Therefore, it has been classified as a Variant of Uncertain Significance.